The following is an entry in ClinVar:

NM_000059.4(BRCA2):c.3431T>G (p.Val1144Gly)

Gene: BRCA2 (BRCA2 DNA repair associated; plus strand). Cytogenetic location: 13q13.1.
Variant type: single nucleotide variant.
Coding change: c.3431T>G on transcript NM_000059.4 (MANE Select); coding-DNA position 3431, T replaced by G.
Protein change: p.Val1144Gly; replaces valine 1144 with glycine.
Molecular consequence: missense variant.
Genome position (GRCh38, 1-based): chr13:32,337,786, T>G. VCF-style: chr13-32337786-T-G. GRCh37 (hg19) VCF-style: chr13-32911923-T-G.
Other names: p.V1144G:GTG>GGG; 3659T>G; short protein forms V1144G.
Identifiers: ClinVar variation 51462 (VCV000051462.28), dbSNP rs80358587, ClinGen allele CA017998.

ClinVar aggregate classification (germline): Conflicting classifications of pathogenicity. Review status: criteria provided, conflicting classifications (1 of 4 stars). 11 submissions from 11 submitters: Uncertain significance (2); Benign (1); Likely benign (5). 3 of the submissions do not count toward it. Last evaluated 2026-10-27.

Conditions:
Inherited ovarian cancer (without breast cancer).
BRCA2-related cancer predisposition. Identifiers: MedGen CN377758, MONDO:0700269.
Hereditary cancer-predisposing syndrome. Also called: Hereditary Cancer Syndrome; Neoplastic Syndromes, Hereditary; Hereditary neoplastic syndrome; Tumor predisposition. Identifiers: Orphanet 140162, MedGen C0027672, MeSH D009386, MONDO:0015356.
Hereditary breast ovarian cancer syndrome. Also called: Breast and ovarian cancer; Hereditary breast and ovarian cancer syndrome; Hereditary breast and ovarian cancer syndrome (HBOC); BRCA1- and BRCA2-Associated Hereditary Breast and Ovarian Cancer; Hereditary breast and ovarian cancer; Hereditary breast and/or ovarian cancer syndrome. Identifiers: Orphanet 145, MedGen C0677776, MeSH D061325, MONDO:0003582. Disease mechanism: loss of function.
Breast-ovarian cancer, familial, susceptibility to, 2 (BROVCA2). Also called: BRCA2 Hereditary Breast and Ovarian Cancer. Identifiers: Orphanet 145, MedGen C2675520, MONDO:0012933, OMIM 612555. Disease mechanism: loss of function.

Allele frequency attached by ClinVar (database versions not stated): gnomAD exomes 0.00001; ExAC 0.00001.
gnomAD v4.1: 10 of 1,614,072 alleles (0.00062%); highest among the groups gnomAD compares: Non-Finnish European, 0.00085%; no homozygotes.

Submissions (11):

Genomics and Molecular Medicine Service, East Genomic Laboratory Hub, NHS Genomic Medicine Service
Classification: Benign for Inherited ovarian cancer (without breast cancer). Last evaluated: 2026-10-27. Review status: criteria provided, single submitter. Criteria: ACGS Best Practice Guidelines for Variant Classification in Rare Disease 2020. Collection method: clinical testing. Allele origin: germline. Affected: yes.
Comment: BP1_Strong,BP4,BP5_Moderate

Ambry Genetics
Classification: Uncertain significance for Hereditary cancer-predisposing syndrome. Last evaluated: 2025-08-05. Review status: criteria provided, single submitter. Criteria: Ambry Variant Classification Scheme 2023. Collection method: clinical testing. Allele origin: germline.
Comment: The p.V1144G variant (also known as c.3431T>G), located in coding exon 10 of the BRCA2 gene, results from a T to G substitution at nucleotide position 3431. The valine at codon 1144 is replaced by glycine, an amino acid with dissimilar properties. This amino acid position is poorly conserved in available vertebrate species. In addition, this alteration is predicted to be tolerated by in silico analysis. Based on the available evidence, the clinical significance of this variant remains unclear.

Labcorp Genetics (formerly Invitae), Labcorp
Classification: Likely benign for Hereditary breast ovarian cancer syndrome. Last evaluated: 2025-08-03. Review status: criteria provided, single submitter. Criteria: Invitae Variant Classification Sherloc (09022015). Collection method: clinical testing. Allele origin: germline.

All of Us Research Program, National Institutes of Health
Classification: Likely benign for Breast-ovarian cancer, familial, susceptibility to, 2. Last evaluated: 2023-07-13. Review status: criteria provided, single submitter. Criteria: ACMG Guidelines, 2015. Collection method: clinical testing. Allele origin: germline. Inheritance: Autosomal dominant inheritance. Observed: 1 variant allele, 1 heterozygote.
Comment: This study involves interpretation of variants in research participants for the purpose of population health screening. Participant phenotype was not available at the time of variant classification. Additional details can be found in publication PMID: 35346344, PMCID: PMC8962531

University of Washington Department of Laboratory Medicine, University of Washington
Classification: Likely benign for Hereditary cancer-predisposing syndrome. Last evaluated: 2023-03-23. Review status: criteria provided, single submitter. Criteria: Dines et al. (Genet Med. 2020). Collection method: curation. Allele origin: germline.
Comment: Missense variant in a coldspot region where missense variants are very unlikely to be pathogenic (PMID:31911673).

BRCA2 exon 11 coldspot. Reclassification based on statistical prior probability.

Department of Pathology and Laboratory Medicine, Sinai Health System
Classification: Uncertain significance for BRCA2-related cancer predisposition. Last evaluated: 2021-08-06. Review status: criteria provided, single submitter. Criteria: ACMG Guidelines, 2015. Collection method: clinical testing. Allele origin: germline.

GeneDx
Classification: Likely benign. Last evaluated: 2019-10-10. Review status: criteria provided, single submitter. Criteria: GeneDx Variant Classification Process June 2021. Collection method: clinical testing. Allele origin: germline. Affected: yes.
Comment: Not observed at a significant frequency in large population cohorts (Lek 2016); In silico analysis, which includes protein predictors and evolutionary conservation, supports a benign effect; This variant is associated with the following publications: (PMID: 31131967)

Color Diagnostics, LLC DBA Color Health
Classification: Likely benign for Hereditary cancer-predisposing syndrome. Last evaluated: 2015-12-09. Review status: criteria provided, single submitter. Criteria: ACMG Guidelines, 2015. Collection method: clinical testing. Allele origin: germline.

Counsyl
Classification: Uncertain significance for Breast-ovarian cancer, familial, susceptibility to, 2. Last evaluated: 2016-10-11. Review status: no assertion criteria provided. Collection method: clinical testing. Allele origin: unknown. Not counted in ClinVar's aggregate classification.

Sharing Clinical Reports Project (SCRP)
Classification: Likely benign for Breast-ovarian cancer, familial 2. Last evaluated: 2012-05-01. Review status: no assertion criteria provided. Collection method: clinical testing. Allele origin: germline. Not counted in ClinVar's aggregate classification.

Breast Cancer Information Core (BIC) (BRCA2)
Classification: Uncertain significance for Breast-ovarian cancer, familial 2. Review status: no assertion criteria provided. Collection method: clinical testing. Allele origin: germline. Affected: yes. Observed: 1 variant allele. Not counted in ClinVar's aggregate classification.